The following is an entry in ClinVar:

NM_016292.3(TRAP1):c.1604C>G (p.Thr535Ser)

Genes: DNASE1 (deoxyribonuclease 1; plus strand), TRAP1 (TNF receptor associated protein 1; minus strand). Cytogenetic location: 16p13.3.
Variant type: single nucleotide variant.
Coding change: c.1604C>G on transcript NM_016292.3 (MANE Select); coding-DNA position 1604, C replaced by G.
Protein change: p.Thr535Ser; replaces threonine 535 with serine.
Molecular consequence: missense variant.
Genome position (GRCh38, 1-based): chr16:3,663,528, G>C on the plus strand (C>G on the coding strand, the complement: TRAP1 is on the minus strand). VCF-style: chr16-3663528-G-C. GRCh37 (hg19) VCF-style: chr16-3713529-G-C.
Other names: c.1445C>G, p.Thr482Ser (NM_001272049.2); short protein forms T535S, T482S.
Identifiers: ClinVar variation 496815 (VCV000496815.11), dbSNP rs77440336, ClinGen allele CA7868002.

ClinVar aggregate classification (germline): Benign. Review status: criteria provided, single submitter (1 of 4 stars). 2 submissions from 2 submitters: Benign (1). 1 of the submissions does not count toward it. Last evaluated 2026-01-26.

Conditions:
Hereditary renal cell carcinoma. Identifiers: MedGen C2608055, MONDO:0003008.

Allele frequency attached by ClinVar (database versions not stated): ESP Exome Variant Server 0.00877; 1000 Genomes Project 30x 0.00765; 1000 Genomes Project 0.00759; gnomAD 0.00838 and 0.00775; ExAC 0.00255; TOPMed 0.00919.
gnomAD v4.1: 2,293 of 1,614,090 alleles (0.14%); highest among the groups gnomAD compares: African/African-American, 2.6%; 22 homozygotes.

Submissions (2):

Labcorp Genetics (formerly Invitae), Labcorp
Classification: Benign. Last evaluated: 2026-01-26. Review status: criteria provided, single submitter. Criteria: Invitae Variant Classification Sherloc (09022015). Collection method: clinical testing. Allele origin: germline.

Arora Lab, Fox Chase Cancer Center
Classification: Uncertain significance for Hereditary renal cell carcinoma. Last evaluated: 2018-02-26. Review status: no assertion criteria provided. Collection method: research. Allele origin: germline. Affected: yes. Observed: 1 variant allele, 1 heterozygote. Not counted in ClinVar's aggregate classification.
Comment: In the ExAC database, the variant is reported as most prevalent in African populations with a frequency of 0.026 and 8 homozygous cases (Lek et al. 2016). The variant has previously been reported in a patient with Parkinsonâ€™s disease and characterized as damaging by functionality prediction and destabilizing by structural assessment (Fitzgerald et al. 2017). An examination of the X-ray crystallographic structure of human TRAP1 indicated that the Thr535Ser substitution would disrupt hydrophobic interactions with the side chains of Arg449, Ile452, Val453, and Leu468 that stabilize the middle domain of the protein. With insufficient evidence for pathogenicity, this variant is interpreted as VUS.